The following is an entry in ClinVar:

NM_001374736.1(DST):c.23056G>A (p.Val7686Met)

Gene: DST (dystonin; minus strand). Cytogenetic location: 6p12.1.
Variant type: single nucleotide variant.
Coding change: c.23056G>A on transcript NM_001374736.1 (MANE Select); coding-DNA position 23056, G replaced by A.
Protein change: p.Val7686Met; replaces valine 7686 with methionine.
Molecular consequence: missense variant. On other transcripts: intron variant (2).
Genome position (GRCh38, 1-based): chr6:56,463,060, C>T on the plus strand (G>A on the coding strand, the complement: DST is on the minus strand). VCF-style: chr6-56463060-C-T. GRCh37 (hg19) VCF-style: chr6-56327858-C-T.
Other names: c.16627G>A, p.Val5543Met (NM_001144769.5); c.16213G>A, p.Val5405Met (NM_001144770.2); c.22984G>A, p.Val7662Met (NM_001374722.1); c.23011G>A, p.Val7671Met (NM_001374734.1); c.16075G>A, p.Val5359Met (NM_001386100.1); c.15115G>A, p.Val5039Met (NM_015548.5); c.16093G>A, p.Val5365Met (NM_183380.4); c.15741+505G>A (NM_001374730.1); and 1 more; short protein forms V5039M, V5405M, V5543M, V5365M, V5359M, V7662M, V7671M, V7686M.
Identifiers: ClinVar variation 648459 (VCV000648459.9), dbSNP rs774799170, ClinGen allele CA3866057.

ClinVar aggregate classification (germline): Uncertain significance (1 of 4 stars; one submission).

Conditions:
Hereditary sensory and autonomic neuropathy type 6. Also called: Neuropathy, hereditary sensory and autonomic, type VI; HSAN VI. Identifiers: Orphanet 314381, MedGen C3539003, MONDO:0013839, OMIM 614653.
Epidermolysis bullosa simplex 3, localized or generalized intermediate, with BP230 deficiency (EBS3). Also called: Epidermolysis bullosa simplex, autosomal recessive 2; Epidermolysis bullosa simplex due to BP230 deficiency. Identifiers: Orphanet 412181, MedGen C3809470, MONDO:0014180, OMIM 615425.

Allele frequency attached by ClinVar (database versions not stated): gnomAD 0.00003 and 0.00004; gnomAD exomes 0.00004; ExAC 0.00006.
gnomAD v4.1: 26 of 1,609,584 alleles (0.0016%); highest among the groups gnomAD compares: South Asian, 0.0066%; no homozygotes.

Submission:

Labcorp Genetics (formerly Invitae), Labcorp
Classification: Uncertain significance for Epidermolysis bullosa simplex 3, localized or generalized intermediate, with BP230 deficiency; Hereditary sensory and autonomic neuropathy type 6. Last evaluated: 2022-03-10. Review status: criteria provided, single submitter. Criteria: Invitae Variant Classification Sherloc (09022015). Collection method: clinical testing. Allele origin: germline.
Comment: This variant is present in population databases (rs774799170, gnomAD 0.01%). This sequence change replaces valine, which is neutral and non-polar, with methionine, which is neutral and non-polar, at codon 5039 of the DST protein (p.Val5039Met). The DST gene has multiple clinically relevant transcripts. This variant occurs in alternate transcript NM_015548.4, and corresponds to NM_001723.5:c.*152457G>A in the primary transcript. This variant has not been reported in the literature in individuals affected with DST-related conditions. In summary, the available evidence is currently insufficient to determine the role of this variant in disease. Therefore, it has been classified as a Variant of Uncertain Significance. Experimental studies and prediction algorithms are not available or were not evaluated, and the functional significance of this variant is currently unknown. ClinVar contains an entry for this variant (Variation ID: 648459).